The following is an entry in ClinVar:

NM_001845.6(COL4A1):c.338A>G (p.Gln113Arg)

Gene: COL4A1 (collagen type IV alpha 1 chain; minus strand). Cytogenetic location: 13q34.
Variant type: single nucleotide variant.
Coding change: c.338A>G on transcript NM_001845.6 (MANE Select); coding-DNA position 338, A replaced by G.
Protein change: p.Gln113Arg; replaces glutamine 113 with arginine.
Molecular consequence: missense variant.
Genome position (GRCh38, 1-based): chr13:110,212,466, T>C on the plus strand (A>G on the coding strand, the complement: COL4A1 is on the minus strand). VCF-style: chr13-110212466-T-C. GRCh37 (hg19) VCF-style: chr13-110864813-T-C.
Other names: c.338A>G, p.Gln113Arg (NM_001303110.2); c.338A>G (NM_001845.4); short protein forms Q113R.
Identifiers: ClinVar variation 870805 (VCV000870805.47), dbSNP rs779129339, ClinGen allele CA7048555.

ClinVar aggregate classification (germline): Uncertain significance. Review status: criteria provided, multiple submitters, no conflicts (2 of 4 stars). 5 submissions from 5 submitters: Uncertain significance (5). Last evaluated 2025-11-01.

Conditions:
Inborn genetic diseases. Identifiers: MedGen C0950123, MeSH D030342.

Allele frequency attached by ClinVar (database versions not stated): ExAC 0.00001; gnomAD 0.00001; gnomAD exomes 0.00001; TOPMed 0.00001.
gnomAD v4.1: 23 of 1,614,062 alleles (0.0014%); highest among the groups gnomAD compares: Non-Finnish European, 0.0018%; no homozygotes.

Submissions (5):

Labcorp Genetics (formerly Invitae), Labcorp
Classification: Uncertain significance. Last evaluated: 2025-11-01. Review status: criteria provided, single submitter. Criteria: Invitae Variant Classification Sherloc (09022015). Collection method: clinical testing. Allele origin: germline.
Comment: This sequence change replaces glutamine, which is neutral and polar, with arginine, which is basic and polar, at codon 113 of the COL4A1 protein (p.Gln113Arg). This variant is present in population databases (rs779129339, gnomAD 0.003%). This variant has not been reported in the literature in individuals affected with COL4A1-related conditions. ClinVar contains an entry for this variant (Variation ID: 870805). Invitae Evidence Modeling of protein sequence and biophysical properties (such as structural, functional, and spatial information, amino acid conservation, physicochemical variation, residue mobility, and thermodynamic stability) indicates that this missense variant is not expected to disrupt COL4A1 protein function with a negative predictive value of 95%. In summary, the available evidence is currently insufficient to determine the role of this variant in disease. Therefore, it has been classified as a Variant of Uncertain Significance.

Ambry Genetics
Classification: Uncertain significance for Inborn genetic diseases. Last evaluated: 2025-08-07. Review status: criteria provided, single submitter. Criteria: Ambry Variant Classification Scheme 2023. Collection method: clinical testing. Allele origin: germline.

Revvity Omics, Revvity
Classification: Uncertain significance. Last evaluated: 2023-10-20. Review status: criteria provided, single submitter. Criteria: ACMG Guidelines, 2015. Collection method: clinical testing. Allele origin: germline.

GeneDx
Classification: Uncertain significance. Last evaluated: 2022-10-28. Review status: criteria provided, single submitter. Criteria: GeneDx Variant Classification Process June 2021. Collection method: clinical testing. Allele origin: germline. Affected: yes.
Comment: In silico analysis supports that this missense variant does not alter protein structure/function; Has not been previously published as pathogenic or benign to our knowledge; This variant is associated with the following publications: (PMID: 30840888)

CeGaT Center for Human Genetics Tuebingen
Classification: Uncertain significance. Last evaluated: 2020-01-01. Review status: criteria provided, single submitter. Criteria: CeGaT Center For Human Genetics Tuebingen Variant Classification Criteria Version 2. Collection method: clinical testing. Allele origin: germline. Affected: yes. Observed: 1 variant allele.